The following is an entry in ClinVar:

NM_016525.5(UBAP1):c.1027C>T (p.Leu343Phe)

Gene: UBAP1 (ubiquitin associated protein 1; plus strand). Cytogenetic location: 9p13.3.
Variant type: single nucleotide variant.
Coding change: c.1027C>T on transcript NM_016525.5 (MANE Select); coding-DNA position 1027, C replaced by T.
Protein change: p.Leu343Phe; replaces leucine 343 with phenylalanine.
Molecular consequence: missense variant. On other transcripts: non-coding transcript variant (1).
Genome position (GRCh38, 1-based): chr9:34,242,052, C>T. VCF-style: chr9-34242052-C-T. GRCh37 (hg19) VCF-style: chr9-34242050-C-T.
Other names: c.1219C>T, p.Leu407Phe (NM_001171201.1); c.1135C>T, p.Leu379Phe (NM_001171202.1); c.1027C>T, p.Leu343Phe (NM_001171203.3, NM_001171204.3); short protein forms L343F, L379F, L407F.
Identifiers: ClinVar variation 4076284 (VCV004076284.1).

ClinVar aggregate classification (germline): Uncertain significance (1 of 4 stars; one submission).

Conditions:
Spastic paraplegia 80, autosomal dominant. Identifiers: Orphanet 631068, MedGen C5193084, MONDO:0032737, OMIM 618418.

gnomAD v4.1: 4 of 1,613,950 alleles (0.00025%); highest among the groups gnomAD compares: Non-Finnish European, 0.00034%; no homozygotes.

Submission:

Laboratorio de Genetica e Diagnostico Molecular, Hospital Israelita Albert Einstein
Classification: Uncertain significance for Spastic paraplegia 80, autosomal dominant. Last evaluated: 2025-02-21. Review status: criteria provided, single submitter. Criteria: ACMG Guidelines, 2015. Collection method: clinical testing. Allele origin: germline. Affected: yes.
Comment: ACMG classification criteria: PM2 supporting, BP4 supporting